The following is an entry in ClinVar:

NM_000038.6(APC):c.-11G>C

Gene: APC (APC regulator of Wnt signaling pathway; plus strand). Cytogenetic location: 5q22.2.
Variant type: single nucleotide variant.
Coding change: c.-11G>C on transcript NM_000038.6 (MANE Select); 11 bases upstream of the start codon, G replaced by C.
Molecular consequence: 5 prime UTR variant. On other transcripts: intron variant (8).
Genome position (GRCh38, 1-based): chr5:112,754,880, G>C. VCF-style: chr5-112754880-G-C. GRCh37 (hg19) VCF-style: chr5-112090577-G-C.
Other names: c.-11G>C (NM_001127510.3, NM_001354895.2, NM_001354896.2 and 2 more transcripts); c.-1046G>C (NM_001354906.2); c.166-11446G>C (NM_001354897.2, NM_001354902.2, NM_001127511.3); c.61-11446G>C (NM_001354898.2, NM_001354904.2); c.-42-11446G>C (NM_001354900.2, NM_001354901.2, NM_001354905.2).
Identifiers: ClinVar variation 918736 (VCV000918736.3), dbSNP rs1754777998, ClinGen allele CA1139658976.

ClinVar aggregate classification (germline): Uncertain significance (1 of 4 stars; one submission).

Conditions:
Hereditary cancer-predisposing syndrome. Also called: Neoplastic Syndromes, Hereditary; Tumor predisposition; Hereditary Cancer Syndrome; Hereditary neoplastic syndrome. Identifiers: Orphanet 140162, MedGen C0027672, MeSH D009386, MONDO:0015356.

Submission:

Color Diagnostics, LLC DBA Color Health
Classification: Uncertain significance for Hereditary cancer-predisposing syndrome. Last evaluated: 2020-01-13. Review status: criteria provided, single submitter. Criteria: ACMG Guidelines, 2015. Collection method: clinical testing. Allele origin: germline.
Comment: This variant causes a single nucleotide substitution in the 5' untranslated region of the APC gene. To our knowledge, functional studies have not been performed for this variant. This variant has not been reported in individuals affected with hereditary cancer in the literature. This variant has not been identified in the general population by the Genome Aggregation Database (gnomAD). The available evidence is insufficient to determine the role of this variant in disease conclusively. Therefore, this variant is classified as a Variant of Uncertain Significance.